The following is an entry in ClinVar:

NM_001130987.2(DYSF):c.2971A>G (p.Thr991Ala)

Gene: DYSF (dysferlin; plus strand). Cytogenetic location: 2p13.2.
Variant type: single nucleotide variant.
Coding change: c.2971A>G on transcript NM_001130987.2 (MANE Select); coding-DNA position 2971, A replaced by G.
Protein change: p.Thr991Ala; replaces threonine 991 with alanine.
Molecular consequence: missense variant.
Genome position (GRCh38, 1-based): chr2:71,569,926, A>G. VCF-style: chr2-71569926-A-G. GRCh37 (hg19) VCF-style: chr2-71797056-A-G.
Other names: c.2920A>G, p.Thr974Ala (NM_001130455.2, NM_001130983.2); c.2875A>G, p.Thr959Ala (NM_001130976.2, NM_001130977.2); c.2917A>G, p.Thr973Ala (NM_001130978.2, NM_003494.4); c.3010A>G, p.Thr1004Ala (NM_001130979.2); c.2968A>G, p.Thr990Ala (NM_001130980.2, NM_001130981.2); c.3013A>G, p.Thr1005Ala (NM_001130982.2); c.2878A>G, p.Thr960Ala (NM_001130984.2, NM_001130986.2); c.2971A>G, p.Thr991Ala (NM_001130985.2); short protein forms T960A, T974A, T991A, T1004A, T990A, T1005A, T959A, T973A.
Identifiers: ClinVar variation 2088468 (VCV002088468.4), dbSNP rs2092325929, ClinGen allele CA347216231.

ClinVar aggregate classification (germline): Uncertain significance (1 of 4 stars; one submission).

Conditions:
Neuromuscular disease caused by qualitative or quantitative defects of dysferlin. Also called: Dysferlinopathy; Qualitative or quantitative defects of dysferlin. Identifiers: Orphanet 207073, MedGen C2931687, MONDO:0016145.

Allele frequency attached by ClinVar (database versions not stated): gnomAD 0.00001.
gnomAD v4.1: 1 of 1,613,806 alleles (0.000062%); highest among the groups gnomAD compares: Admixed American, 0.0017%; no homozygotes.

Submission:

Labcorp Genetics (formerly Invitae), Labcorp
Classification: Uncertain significance for Neuromuscular disease caused by qualitative or quantitative defects of dysferlin. Last evaluated: 2022-05-15. Review status: criteria provided, single submitter. Criteria: Invitae Variant Classification Sherloc (09022015). Collection method: clinical testing. Allele origin: germline.
Comment: This sequence change replaces threonine, which is neutral and polar, with alanine, which is neutral and non-polar, at codon 973 of the DYSF protein (p.Thr973Ala). This variant is not present in population databases (gnomAD no frequency). This variant has not been reported in the literature in individuals affected with DYSF-related conditions. Advanced modeling of protein sequence and biophysical properties (such as structural, functional, and spatial information, amino acid conservation, physicochemical variation, residue mobility, and thermodynamic stability) performed at Invitae indicates that this missense variant is expected to disrupt DYSF protein function. In summary, the available evidence is currently insufficient to determine the role of this variant in disease. Therefore, it has been classified as a Variant of Uncertain Significance.